The following is an entry in ClinVar:

ClinVar aggregate classification (germline): Likely benign (0 of 4 stars; one submission).

Conditions:
DCHS2-related disorder. Also called: DCHS2-related condition.

Submission:

PreventionGenetics, part of Exact Sciences
Classification: Likely benign for DCHS2-related condition. Last evaluated: 2019-05-28. Review status: no assertion criteria provided. Collection method: clinical testing. Allele origin: germline.
Comment: This variant is classified as likely benign based on ACMG/AMP sequence variant interpretation guidelines (Richards et al. 2015 PMID: 25741868, with internal and published modifications).

NM_001358235.2(DCHS2):c.2053-13804_2053-13802del

Gene: DCHS2 (dachsous cadherin-related 2; minus strand). Cytogenetic location: 4q31.3.
Variant type: Microsatellite.
Coding change: c.2053-13804_2053-13802del on transcript NM_001358235.2 (MANE Select); 13804 bases into the intron before coding-DNA position 2053 through 13802 bases into the intron before coding-DNA position 2053, 3 bases deleted (AGA; older notation c.2053-13804_2053-13802delAGA).
Molecular consequence: intron variant.
Genome position (GRCh38, 1-based): chr4:154,391,246-154,391,248, TCT deleted on the plus strand (AGA on the coding strand, the reverse complement: DCHS2 is on the minus strand); deleting any 3 consecutive bases within chr4:154,391,246-154,391,252 gives the same sequence; the c. name uses the placement nearest the transcript's 3' end. VCF-style (leftmost placement, unchanged base first): chr4-154391245-ATCT-A. GRCh37 (hg19) VCF-style: chr4-155312397-ATCT-A.
Other names: NM_017639.3:c.50_52delAGA; c.2053-13804_2053-13802del (NM_001142552.2).
Identifiers: ClinVar variation 3038844 (VCV003038844.2), dbSNP rs543245972, ClinGen allele CA3113728.